The following is an entry in ClinVar:

NM_020751.3(COG6):c.785A>G (p.Tyr262Cys)

Gene: COG6 (component of oligomeric golgi complex 6; plus strand). Cytogenetic location: 13q14.11.
Variant type: single nucleotide variant.
Coding change: c.785A>G on transcript NM_020751.3 (MANE Select); coding-DNA position 785, A replaced by G.
Protein change: p.Tyr262Cys; replaces tyrosine 262 with cysteine.
Molecular consequence: missense variant. On other transcripts: non-coding transcript variant (1).
Genome position (GRCh38, 1-based): chr13:39,682,261, A>G. VCF-style: chr13-39682261-A-G. GRCh37 (hg19) VCF-style: chr13-40256398-A-G.
Other names: c.785A>G (NM_020751.2); c.785A>G, p.Tyr262Cys (NM_001145079.2); short protein forms Y262C.
Identifiers: ClinVar variation 493009 (VCV000493009.4), dbSNP rs756826030, ClinGen allele CA387910301.

ClinVar aggregate classification (germline): Likely pathogenic. Review status: criteria provided, single submitter (1 of 4 stars). 2 submissions from 2 submitters: Likely pathogenic (1). 1 of the submissions does not count toward it. Last evaluated 2026-09-18.

Conditions:
COG6-congenital disorder of glycosylation. Also called: COG6-ongenital disorder of glycosylation; CONGENITAL DISORDER OF GLYCOSYLATION, TYPE IIl; CDG IIl; COG6-CGD. Identifiers: Orphanet 464443, MedGen C3553230, MONDO:0013810, OMIM 614576.

gnomAD v4.1: 12 of 1,598,462 alleles (0.00075%); highest among the groups gnomAD compares: Admixed American, 0.0033%; no homozygotes.

Submissions (2):

GeneDx
Classification: Likely pathogenic. Last evaluated: 2026-09-18. Review status: criteria provided, single submitter. Criteria: GeneDx Variant Classification Process June 2021. Collection method: clinical testing. Allele origin: germline.
Comment: Not observed at significant frequency in large population cohorts (gnomAD); In silico analysis supports that this missense variant has a deleterious effect on protein structure/function; In silico analysis supports a deleterious effect on splicing; This variant is associated with the following publications: (PMID: 31589614, 33726816, 36636598, 34940998, 26260076, 20605848, 40213872, 42269412)

OMIM
Classification: Pathogenic for CONGENITAL DISORDER OF GLYCOSYLATION, TYPE IIl. Last evaluated: 2010-09-15. Review status: no assertion criteria provided. Collection method: literature only. Allele origin: germline. Not counted in ClinVar's aggregate classification.

Literature cited by the submitters: PubMed 20605848 (cited by OMIM); PubMed 26260076 (cited by OMIM).